The following is an entry in ClinVar:

NM_031924.8(RSPH3):c.558G>A (p.Gln186=)

Gene: RSPH3 (radial spoke head 3; minus strand). Cytogenetic location: 6q25.3.
Variant type: single nucleotide variant.
Coding change: c.558G>A on transcript NM_031924.8 (MANE Select); coding-DNA position 558, G replaced by A.
Protein change: p.Gln186=; no amino-acid change (glutamine 186 retained).
Molecular consequence: synonymous variant. On other transcripts: non-coding transcript variant (1).
Genome position (GRCh38, 1-based): chr6:158,982,623, C>T on the plus strand (G>A on the coding strand, the complement: RSPH3 is on the minus strand). VCF-style: chr6-158982623-C-T. GRCh37 (hg19) VCF-style: chr6-159403655-C-T.
Other names: p.Gln328=; c.696G>A, p.Gln232= (NM_001346418.1); c.984G>A (NM_031924.6).
Identifiers: ClinVar variation 730468 (VCV000730468.10), dbSNP rs776777631, ClinGen allele CA4075869.

ClinVar aggregate classification (germline): Likely benign. Review status: criteria provided, multiple submitters, no conflicts (2 of 4 stars). 3 submissions from 3 submitters: Likely benign (3). Last evaluated 2025-11-03.

Conditions:
Primary ciliary dyskinesia 32. Also called: CILIARY DYSKINESIA, PRIMARY, 32, WITHOUT SITUS INVERSUS. Identifiers: Orphanet 244, MedGen C4225311, MONDO:0014657, OMIM 616481.

Allele frequency attached by ClinVar (database versions not stated): gnomAD 0.00001; ExAC 0.00002; gnomAD exomes 0.00002 and 0.00003; TOPMed 0.00003.
gnomAD v4.1: 51 of 1,613,676 alleles (0.0032%); highest among the groups gnomAD compares: Middle Eastern, 0.25%; no homozygotes.

Submissions (3):

Labcorp Genetics (formerly Invitae), Labcorp
Classification: Likely benign for Primary ciliary dyskinesia 32. Last evaluated: 2025-11-03. Review status: criteria provided, single submitter. Criteria: Invitae Variant Classification Sherloc (09022015). Collection method: clinical testing. Allele origin: germline.

Mayo Clinic Laboratories, Mayo Clinic
Classification: Likely benign. Last evaluated: 2024-12-20. Review status: criteria provided, single submitter. Criteria: ACMG Guidelines, 2015. Collection method: clinical testing. Allele origin: germline. Observed: 1 variant allele.
Comment: BP4, BP7

Blueprint Genetics
Classification: Likely benign. Last evaluated: 2024-10-14. Review status: criteria provided, single submitter. Criteria: ACMG Guidelines, 2015. Collection method: clinical testing. Allele origin: germline.